The following is an entry in ClinVar:

ClinVar aggregate classification (germline): Likely benign (1 of 4 stars; one submission).

gnomAD v4.1: 399 of 1,613,984 alleles (0.025%); highest among the groups gnomAD compares: Admixed American, 0.42%; 3 homozygotes.

Submission:

CeGaT Center for Human Genetics Tuebingen
Classification: Likely benign. Last evaluated: 2026-01-01. Review status: criteria provided, single submitter. Criteria: CeGaT Center For Human Genetics Tuebingen Variant Classification Criteria Version 2. Collection method: clinical testing. Allele origin: germline. Affected: yes. Observed: 1 variant allele.
Comment: NRXN3: BP4, BP7

NM_001330195.2(NRXN3):c.1134C>T (p.Asp378=)

Gene: NRXN3 (neurexin 3; plus strand). Cytogenetic location: 14q24.3.
Variant type: single nucleotide variant.
Coding change: c.1134C>T on transcript NM_001330195.2 (MANE Select); coding-DNA position 1134, C replaced by T.
Protein change: p.Asp378=; no amino-acid change (aspartic acid 378 retained).
Molecular consequence: synonymous variant. On other transcripts: non-coding transcript variant (4).
Genome position (GRCh38, 1-based): chr14:78,651,239, C>T. VCF-style: chr14-78651239-C-T. GRCh37 (hg19) VCF-style: chr14-79117582-C-T.
Other names: c.1134C>T, p.Asp378= (NM_001366425.1); c.1146C>T, p.Asp382= (NM_001366426.1); c.15C>T, p.Asp5= (NM_004796.6).
Identifiers: ClinVar variation 4820842 (VCV004820842.4).
Genomic context (GRCh38, chr14:78,651,239, plus strand): 5'-GGATGGCATTCTTACCACGACGGGCTACACTCAAGAGGACTATACCATGCTGGGCTCGGA[C>T]GACTTCTTCTATGTAGGAGGAAGCCCAAGTACCGCTGACTTGCCTGGCTCCCCTGTCAGC-3'
Protein context (NP_001317124.1, residues 368-388): TQEDYTMLGS[Asp378=]DFFYVGGSPS